The following is an entry in ClinVar:

NM_182914.3(SYNE2):c.18015T>G (p.His6005Gln)

Gene: SYNE2 (spectrin repeat containing nuclear envelope protein 2; plus strand). Cytogenetic location: 14q23.2.
Variant type: single nucleotide variant.
Coding change: c.18015T>G on transcript NM_182914.3 (MANE Select); coding-DNA position 18015, T replaced by G.
Protein change: p.His6005Gln; replaces histidine 6005 with glutamine.
Molecular consequence: missense variant.
Genome position (GRCh38, 1-based): chr14:64,190,214, T>G. VCF-style: chr14-64190214-T-G. GRCh37 (hg19) VCF-style: chr14-64656932-T-G.
Other names: c.18015T>G, p.His6005Gln (NM_015180.6); short protein forms H6005Q.
Identifiers: ClinVar variation 1509883 (VCV001509883.6), dbSNP rs1323946751, ClinGen allele CA389996403.
Genomic context (GRCh38, chr14:64,190,214, plus strand): 5'-CAAATCAAGAGCAGCTGAGATCGATGACAAGCTCAACAAAATTAACGATCGTTGGCAACA[T>G]CTTTTTGATGTCATCGGATCAAGGTAAGAAATGGGCTAAAAATGATTACTCTCCAGGAAC-3'
Protein context (NP_878918.2, residues 5995-6015): KLNKINDRWQ[His6005Gln]LFDVIGSRVK

ClinVar aggregate classification (germline): Uncertain significance (1 of 4 stars; one submission).

Conditions:
Emery-Dreifuss muscular dystrophy 5, autosomal dominant (EDMD5). Also called: EMERY-DREIFUSS MUSCULAR DYSTROPHY 5. Identifiers: Orphanet 261, MedGen C2751805, MONDO:0013072, OMIM 612999.

Submission:

Labcorp Genetics (formerly Invitae), Labcorp
Classification: Uncertain significance for Emery-Dreifuss muscular dystrophy 5, autosomal dominant. Last evaluated: 2022-06-13. Review status: criteria provided, single submitter. Criteria: Invitae Variant Classification Sherloc (09022015). Collection method: clinical testing. Allele origin: germline.
Comment: In summary, the available evidence is currently insufficient to determine the role of this variant in disease. Therefore, it has been classified as a Variant of Uncertain Significance. Algorithms developed to predict the effect of sequence changes on RNA splicing suggest that this variant may create or strengthen a splice site. Algorithms developed to predict the effect of missense changes on protein structure and function are either unavailable or do not agree on the potential impact of this missense change (SIFT: "Tolerated"; PolyPhen-2: "Probably Damaging"; Align-GVGD: "Class C0"). This variant has not been reported in the literature in individuals affected with SYNE2-related conditions. This variant is not present in population databases (gnomAD no frequency). This sequence change replaces histidine, which is basic and polar, with glutamine, which is neutral and polar, at codon 6005 of the SYNE2 protein (p.His6005Gln).